The following is an entry in ClinVar:

ClinVar aggregate classification (germline): Uncertain significance (1 of 4 stars; one submission).

Submission:

Labcorp Genetics (formerly Invitae), Labcorp
Classification: Uncertain significance. Last evaluated: 2022-08-16. Review status: criteria provided, single submitter. Criteria: Invitae Variant Classification Sherloc (09022015). Collection method: clinical testing. Allele origin: germline.
Comment: ClinVar contains an entry for this variant (Variation ID: 1496188). In summary, the available evidence is currently insufficient to determine the role of this variant in disease. Therefore, it has been classified as a Variant of Uncertain Significance. Algorithms developed to predict the effect of missense changes on protein structure and function (SIFT, PolyPhen-2, Align-GVGD) all suggest that this variant is likely to be tolerated. This variant has not been reported in the literature in individuals affected with ARFGEF2-related conditions. This variant is not present in population databases (gnomAD no frequency). This sequence change replaces valine, which is neutral and non-polar, with glycine, which is neutral and non-polar, at codon 289 of the ARFGEF2 protein (p.Val289Gly).

NM_006420.3(ARFGEF2):c.866T>G (p.Val289Gly)

Gene: ARFGEF2 (ARF guanine nucleotide exchange factor 2; plus strand). Cytogenetic location: 20q13.13.
Variant type: single nucleotide variant.
Coding change: c.866T>G on transcript NM_006420.3 (MANE Select); coding-DNA position 866, T replaced by G.
Protein change: p.Val289Gly; replaces valine 289 with glycine.
Molecular consequence: missense variant.
Genome position (GRCh38, 1-based): chr20:48,963,857, T>G. VCF-style: chr20-48963857-T-G. GRCh37 (hg19) VCF-style: chr20-47580394-T-G.
Other names: short protein forms V289G.
Identifiers: ClinVar variation 1496188 (VCV001496188.6), dbSNP rs2123394603, ClinGen allele CA409323238.
Genomic context (GRCh38, chr20:48,963,857, plus strand): 5'-ACGTGTGTTTTGTATATTTGGATGTGTGTGTAGGGACTGATGACGGAGCCCAGGAGGTGG[T>G]GAAGGACATCTTGGAAGATGTAGTCACATCTGCCATTAAAGGTAAGAACCAAGGACAACC-3'
Protein context (NP_006411.2, residues 279-299): SGTDDGAQEV[Val289Gly]KDILEDVVTS